The following is an entry in ClinVar:

NM_004211.5(SLC6A5):c.3+2T>C

Gene: SLC6A5 (solute carrier family 6 member 5; plus strand). Cytogenetic location: 11p15.1.
Variant type: single nucleotide variant.
Coding change: c.3+2T>C on transcript NM_004211.5 (MANE Select); the canonical splice donor site of the intron after coding-DNA position 3, T replaced by C.
Molecular consequence: splice donor variant.
Genome position (GRCh38, 1-based): chr11:20,599,677, T>C. VCF-style: chr11-20599677-T-C. GRCh37 (hg19) VCF-style: chr11-20621223-T-C.
Other names: c.-561+2T>C (NM_001318369.2).
Identifiers: ClinVar variation 3656153 (VCV003656153.2).

ClinVar aggregate classification (germline): Likely pathogenic (1 of 4 stars; one submission).

Conditions:
Hyperekplexia 3 (HKPX3). Also called: HYPEREKPLEXIA 3, AUTOSOMAL RECESSIVE; HYPEREKPLEXIA 3, AUTOSOMAL DOMINANT. Identifiers: Orphanet 3197, MedGen C3553288, MONDO:0013827, OMIM 614618.

Submission:

Labcorp Genetics (formerly Invitae), Labcorp
Classification: Likely pathogenic for Hyperekplexia 3. Last evaluated: 2024-06-10. Review status: criteria provided, single submitter. Criteria: Invitae Variant Classification Sherloc (09022015). Collection method: clinical testing. Allele origin: germline.
Comment: This sequence change affects a donor splice site in intron 1 of the SLC6A5 gene. It is expected to disrupt RNA splicing. Variants that disrupt the donor or acceptor splice site typically lead to a loss of protein function (PMID: 16199547), and loss-of-function variants in SLC6A5 are known to be pathogenic (PMID: 14622583, 16751771, 22700964). This variant is not present in population databases (gnomAD no frequency). This variant has not been reported in the literature in individuals affected with SLC6A5-related conditions. In summary, the currently available evidence indicates that the variant is pathogenic, but additional data are needed to prove that conclusively. Therefore, this variant has been classified as Likely Pathogenic.

Literature cited by the submitters: PubMed 16199547; PubMed 14622583; PubMed 16751771; PubMed 22700964.